The following is an entry in ClinVar:

NM_003128.3(SPTBN1):c.539T>C (p.Leu180Pro)

Gene: SPTBN1 (spectrin beta, non-erythrocytic 1; plus strand). Cytogenetic location: 2p16.2.
Variant type: single nucleotide variant.
Coding change: c.539T>C on transcript NM_003128.3 (MANE Select); coding-DNA position 539, T replaced by C.
Protein change: p.Leu180Pro; replaces leucine 180 with proline.
Molecular consequence: missense variant.
Genome position (GRCh38, 1-based): chr2:54,616,271, T>C. VCF-style: chr2-54616271-T-C. GRCh37 (hg19) VCF-style: chr2-54843408-T-C.
Other names: c.500T>C, p.Leu167Pro (NM_178313.3); short protein forms L167P, L180P.
Identifiers: ClinVar variation 3068374 (VCV003068374.1), dbSNP rs2549502736, ClinGen allele CA346861432.

ClinVar aggregate classification (germline): Uncertain significance (1 of 4 stars; one submission).

Conditions:
Developmental delay, impaired speech, and behavioral abnormalities. Identifiers: MedGen C5561957, MONDO:0859178, OMIM 619475.

Submission:

MVZ Medizinische Genetik Mainz
Classification: Uncertain significance for Developmental delay, impaired speech, and behavioral abnormalities. Last evaluated: 2022-07-21. Review status: criteria provided, single submitter. Criteria: UK Practice Guidelines For Variant Classification V4 01 2020. Collection method: clinical testing. Allele origin: germline. Inheritance: Autosomal dominant inheritance. Affected: yes. Observed: 1 variant allele.
Comment: ACMG Criteria: PM1_SUP,PM2_SUP,PP2,PP3